The following is an entry in ClinVar:

ClinVar aggregate classification (germline): Uncertain significance (1 of 4 stars; one submission).

Conditions:
Infantile spasms. Also called: Infantile spasm. Identifiers: MedGen C3887898, HP:0012469.

Allele frequency attached by ClinVar (database versions not stated): gnomAD 0.00001.

Submission:

Labcorp Genetics (formerly Invitae), Labcorp
Classification: Uncertain significance for Infantile spasms. Last evaluated: 2019-10-28. Review status: criteria provided, single submitter. Criteria: Invitae Variant Classification Sherloc (09022015). Collection method: clinical testing. Allele origin: germline.
Comment: This sequence change replaces proline with serine at codon 86 of the PIK3AP1 protein (p.Pro86Ser). The proline residue is moderately conserved and there is a moderate physicochemical difference between proline and serine. This variant is not present in population databases (ExAC no frequency). This variant has not been reported in the literature in individuals with PIK3AP1-related conditions. Algorithms developed to predict the effect of missense changes on protein structure and function output the following: SIFT: "Tolerated"; PolyPhen-2: "Benign"; Align-GVGD: "Class C0". The serine amino acid residue is found in multiple mammalian species, suggesting that this missense change does not adversely affect protein function. These predictions have not been confirmed by published functional studies and their clinical significance is uncertain. In summary, the available evidence is currently insufficient to determine the role of this variant in disease. Therefore, it has been classified as a Variant of Uncertain Significance.

NM_152309.3(PIK3AP1):c.256C>T (p.Pro86Ser)

Gene: PIK3AP1 (phosphoinositide-3-kinase adaptor protein 1; minus strand). Cytogenetic location: 10q24.1.
Variant type: single nucleotide variant.
Coding change: c.256C>T on transcript NM_152309.3 (MANE Select); coding-DNA position 256, C replaced by T.
Protein change: p.Pro86Ser; replaces proline 86 with serine.
Molecular consequence: missense variant.
Genome position (GRCh38, 1-based): chr10:96,709,741, G>A on the plus strand (C>T on the coding strand, the complement: PIK3AP1 is on the minus strand). VCF-style: chr10-96709741-G-A. GRCh37 (hg19) VCF-style: chr10-98469498-G-A.
Other names: short protein forms P86S.
Identifiers: ClinVar variation 966220 (VCV000966220.9), dbSNP rs1461903721, ClinGen allele CA377759640.
Genomic context (GRCh38, chr10:96,709,741, plus strand): 5'-GCACGCCGCAGAGCAGCCTGACCACGCGGTGCGGAGGATGGAAAGCTCTCTGCAGCAGGG[G>A]CAGCAAGGCGGGCTTGTGGAAGTGCTGCACCAGCTCCGCGGACAGCAGCACCACGACACA-3'
Protein context (NP_689522.2, residues 76-96): VQHFHKPALL[Pro86Ser]LLQRAFHPPH